The following is an entry in ClinVar:

NM_014915.3(ANKRD26):c.710T>G (p.Val237Gly)

Gene: ANKRD26 (ankyrin repeat domain containing 26; minus strand). Cytogenetic location: 10p12.1.
Variant type: single nucleotide variant.
Coding change: c.710T>G on transcript NM_014915.3 (MANE Select); coding-DNA position 710, T replaced by G.
Protein change: p.Val237Gly; replaces valine 237 with glycine.
Molecular consequence: missense variant.
Genome position (GRCh38, 1-based): chr10:27,082,833, A>C on the plus strand (T>G on the coding strand, the complement: ANKRD26 is on the minus strand). VCF-style: chr10-27082833-A-C. GRCh37 (hg19) VCF-style: chr10-27371762-A-C.
Other names: c.710T>G, p.Val237Gly (NM_001256053.2); short protein forms V237G.
Identifiers: ClinVar variation 3912184 (VCV003912184.1).

ClinVar aggregate classification (germline): Uncertain significance (1 of 4 stars; one submission).

Conditions:
Inborn genetic diseases. Identifiers: MedGen C0950123, MeSH D030342.

gnomAD v4.1: 9 of 1,589,150 alleles (0.00057%); highest among the groups gnomAD compares: Non-Finnish European, 0.00077%; no homozygotes.

Submission:

Ambry Genetics
Classification: Uncertain significance for Inborn genetic diseases. Last evaluated: 2025-04-21. Review status: criteria provided, single submitter. Criteria: Ambry Variant Classification Scheme 2023. Collection method: clinical testing. Allele origin: germline.
Comment: The p.V237G variant (also known as c.710T>G) is located in coding exon 6 of the ANKRD26 gene. The valine at codon 237 is replaced by glycine, an amino acid with dissimilar properties. This change occurs in the first base pair of coding exon 6. This amino acid position is conserved. In addition, this alteration is predicted to be tolerated by in silico analysis. Based on the available evidence, the clinical significance of this variant remains unclear.